The following is an entry in ClinVar:

NM_177924.5(ASAH1):c.26_32del (p.Leu9fs)

Genes: ASAH1 (N-acylsphingosine amidohydrolase 1; minus strand), LOC129999940 (ATAC-STARR-seq lymphoblastoid silent region 18966; plus strand). Cytogenetic location: 8p22.
Variant type: Deletion.
Coding change: c.26_32del on transcript NM_177924.5 (MANE Select); coding-DNA positions 26 to 32, 7 bases deleted (TAGTCCT; older notation c.26_32delTAGTCCT).
Protein change: p.Leu9fs; shifts the reading frame from leucine 9.
Molecular consequence: frameshift variant. On other transcripts: intron variant (2).
Genome position (GRCh38, 1-based): chr8:18,084,027-18,084,033, AGGACTA deleted on the plus strand (TAGTCCT on the coding strand, the reverse complement: ASAH1 is on the minus strand); deleting any 7 consecutive bases within chr8:18,084,027-18,084,036 gives the same sequence; the c. name uses the placement nearest the transcript's 3' end. VCF-style (leftmost placement, unchanged base first): chr8-18084026-GAGGACTA-G. GRCh37 (hg19) VCF-style: chr8-17941535-GAGGACTA-G.
Other names: c.126+643_126+649del (NM_004315.6, NM_001127505.3); short protein forms L9fs.
Identifiers: ClinVar variation 3631124 (VCV003631124.2).
Genomic context (GRCh38, chr8:18,084,026, plus strand): 5'-CTCAAGCTCACTCACCGGCGGCGCGTGCTGCGCGACGGCACAGCTGACGGCGGCAGCCAG[GAGGACTA>G]AGGCGACGCAACTCCGGCCCGGCATCGCTCTAGCAGCCAACGCCACTCCCCGGACTCCAG-3'

ClinVar aggregate classification (germline): Pathogenic (1 of 4 stars; one submission).

Submission:

Labcorp Genetics (formerly Invitae), Labcorp
Classification: Pathogenic. Last evaluated: 2024-06-12. Review status: criteria provided, single submitter. Criteria: Invitae Variant Classification Sherloc (09022015). Collection method: clinical testing. Allele origin: germline.
Comment: This sequence change creates a premature translational stop signal (p.Leu9Serfs*42) in the ASAH1 gene. It is expected to result in an absent or disrupted protein product. Loss-of-function variants in ASAH1 are known to be pathogenic (PMID: 24164096, 24355074). This variant is not present in population databases (gnomAD no frequency). This variant has not been reported in the literature in individuals affected with ASAH1-related conditions. For these reasons, this variant has been classified as Pathogenic.

Literature cited by the submitters: PubMed 24164096; PubMed 24355074.